The following is an entry in ClinVar:

ClinVar aggregate classification (germline): Benign. Review status: criteria provided, multiple submitters, no conflicts (2 of 4 stars). 9 submissions from 7 submitters: Benign (9). Last evaluated 2026-02-04.

Conditions:
Amelogenesis imperfecta type 1A. Also called: AMELOGENESIS IMPERFECTA, HYPOPLASTIC TYPE IA; Amelogenesis imperfecta local hypoplastic; Amelogenesis imperfecta, hypoplastic type; Amelogenesis imperfecta, type IA. Identifiers: Orphanet 88661, MedGen C4011403, MONDO:0007094, OMIM 104530.
Junctional epidermolysis bullosa. Identifiers: Orphanet 305, MedGen C0079301, MONDO:0017612.
Junctional epidermolysis bullosa, non-Herlitz type. Also called: Epidermolysis bullosa, junctional, non-herlitz type, somatic mosaic revertant; EPIDERMOLYSIS BULLOSA JUNCTIONALIS, DISENTIS TYPE; EPIDERMOLYSIS BULLOSA JUNCTIONALIS, NON-HERLITZ TYPE; EPIDERMOLYSIS BULLOSA JUNCTIONALIS, PROGRESSIVE; EPIDERMOLYSIS BULLOSA JUNCTIONALIS, SEVERE NONLETHAL; COL17A1-Related Junctional Epidermolysis Bullosa. Identifiers: Orphanet 251393, Orphanet 79402, Orphanet 79405, Orphanet 89840, MedGen C0268374, MONDO:0009180, OMIM 226650.
Junctional epidermolysis bullosa gravis of Herlitz. Also called: EPIDERMOLYSIS BULLOSA JUNCTIONALIS, HERLITZ TYPE; EPIDERMOLYSIS BULLOSA, JUNCTIONAL, HERLITZ-PEARSON TYPE; JEB-HERLITZ TYPE; Herlitz-type junctional epidermolysis bullosa; Epidermolysis Bullosa Letalis; EPIDERMOLYSIS BULLOSA, JUNCTIONAL 1B, SEVERE. Identifiers: Orphanet 79404, MedGen C0079683, MONDO:0009182, OMIM 226700.

Allele frequency attached by ClinVar (database versions not stated): 1000 Genomes Project 0.43251; 1000 Genomes Project 30x 0.43660; TOPMed 0.53562; gnomAD 0.55813 and 0.56410; gnomAD exomes 0.56787; ExAC 0.57094; ESP Exome Variant Server 0.57458.
gnomAD v4.1: 982,045 of 1,601,282 alleles (61%); highest among the groups gnomAD compares: Middle Eastern, 68%; 308,745 homozygotes.

Submissions (9):

Labcorp Genetics (formerly Invitae), Labcorp
Classification: Benign. Last evaluated: 2026-02-04. Review status: criteria provided, single submitter. Criteria: Invitae Variant Classification Sherloc (09022015). Collection method: clinical testing. Allele origin: germline.

Blueprint Genetics
Classification: Benign. Last evaluated: 2024-11-26. Review status: criteria provided, single submitter. Criteria: ACMG Guidelines, 2015. Collection method: clinical testing. Allele origin: germline.

Genome-Nilou Lab
Classification: Benign for Amelogenesis imperfecta type 1A. Last evaluated: 2021-07-08. Review status: criteria provided, single submitter. Criteria: ACMG Guidelines, 2015. Collection method: clinical testing. Allele origin: germline. Affected: no.

Genome-Nilou Lab
Classification: Benign for Junctional epidermolysis bullosa gravis of Herlitz. Last evaluated: 2021-07-08. Review status: criteria provided, single submitter. Criteria: ACMG Guidelines, 2015. Collection method: clinical testing. Allele origin: germline. Affected: no.

Genome-Nilou Lab
Classification: Benign for Junctional epidermolysis bullosa, non-Herlitz type. Last evaluated: 2021-07-08. Review status: criteria provided, single submitter. Criteria: ACMG Guidelines, 2015. Collection method: clinical testing. Allele origin: germline. Affected: no.

Illumina Laboratory Services, Illumina
Classification: Benign for Junctional epidermolysis bullosa. Last evaluated: 2018-01-12. Review status: criteria provided, single submitter. Criteria: ICSL Variant Classification Criteria 13 December 2019. Collection method: clinical testing. Allele origin: germline.
Comment: This variant was observed in the ICSL laboratory as part of a predisposition screen in an ostensibly healthy population. It had not been previously curated by ICSL or reported in the Human Gene Mutation Database (HGMD: prior to June 1st, 2018), and was therefore a candidate for classification through an automated scoring system. Utilizing variant allele frequency, disease prevalence and penetrance estimates, and inheritance mode, an automated score was calculated to assess if this variant is too frequent to cause the disease. Based on the score and internal cut-off values, a variant classified as benign is not then subjected to further curation. The score for this variant resulted in a classification of benign for this disease.

GeneDx
Classification: Benign. Last evaluated: 2015-03-03. Review status: criteria provided, single submitter. Criteria: GeneDx Variant Classification Process June 2021. Collection method: clinical testing. Allele origin: germline. Affected: yes.

Breakthrough Genomics
Classification: Benign. Review status: criteria provided, single submitter. Criteria: ACMG Guidelines, 2015. Collection method: not provided. Allele origin: germline. Inheritance: Autosomal recessive inheritance. Affected: yes.

PreventionGenetics, part of Exact Sciences
Classification: Benign. Review status: criteria provided, single submitter. Criteria: ACMG Guidelines, 2015. Collection method: clinical testing. Allele origin: germline.

NM_000228.3(LAMB3):c.291A>C (p.Ser97=)

Gene: LAMB3 (laminin subunit beta 3; minus strand). Cytogenetic location: 1q32.2.
Variant type: single nucleotide variant.
Coding change: c.291A>C on transcript NM_000228.3 (MANE Select); coding-DNA position 291, A replaced by C.
Protein change: p.Ser97=; no amino-acid change (serine 97 retained).
Molecular consequence: synonymous variant.
Genome position (GRCh38, 1-based): chr1:209,638,541, T>G on the plus strand (A>C on the coding strand, the complement: LAMB3 is on the minus strand). VCF-style: chr1-209638541-T-G. GRCh37 (hg19) VCF-style: chr1-209811886-T-G.
Other names: c.291A>C, p.Ser97= (NM_001017402.2, NM_001127641.1).
Identifiers: ClinVar variation 255592 (VCV000255592.21), dbSNP rs2076356, ClinGen allele CA1376048.